The following is an entry in ClinVar:

ClinVar aggregate classification (germline): Uncertain significance (1 of 4 stars; one submission).

gnomAD v4.1: 25 of 1,613,408 alleles (0.0015%); highest among the groups gnomAD compares: Non-Finnish European, 0.002%; no homozygotes.

Submission:

Labcorp Genetics (formerly Invitae), Labcorp
Classification: Uncertain significance. Last evaluated: 2025-02-26. Review status: criteria provided, single submitter. Criteria: Invitae Variant Classification Sherloc (09022015). Collection method: clinical testing. Allele origin: germline.
Comment: This sequence change replaces tyrosine, which is neutral and polar, with cysteine, which is neutral and slightly polar, at codon 1033 of the FAT4 protein (p.Tyr1033Cys). This variant is present in population databases (rs752444296, gnomAD 0.002%). This variant has not been reported in the literature in individuals affected with FAT4-related conditions. Invitae Evidence Modeling of protein sequence and biophysical properties (such as structural, functional, and spatial information, amino acid conservation, physicochemical variation, residue mobility, and thermodynamic stability) indicates that this missense variant is not expected to disrupt FAT4 protein function with a negative predictive value of 80%. In summary, the available evidence is currently insufficient to determine the role of this variant in disease. Therefore, it has been classified as a Variant of Uncertain Significance.

NM_001291303.3(FAT4):c.3098A>G (p.Tyr1033Cys)

Gene: FAT4 (FAT atypical cadherin 4; plus strand). Cytogenetic location: 4q28.1.
Variant type: single nucleotide variant.
Coding change: c.3098A>G on transcript NM_001291303.3 (MANE Select); coding-DNA position 3098, A replaced by G.
Protein change: p.Tyr1033Cys; replaces tyrosine 1033 with cysteine.
Molecular consequence: missense variant.
Genome position (GRCh38, 1-based): chr4:125,319,509, A>G. VCF-style: chr4-125319509-A-G. GRCh37 (hg19) VCF-style: chr4-126240664-A-G.
Other names: c.3098A>G, p.Tyr1033Cys (NM_001291285.3, NM_024582.6); short protein forms Y1033C.
Identifiers: ClinVar variation 3668247 (VCV003668247.2).
Genomic context (GRCh38, chr4:125,319,509, plus strand): 5'-CTCGATTCTTTAAAGTACAAGCTTCTGATAAGGATTCAGGAGCAAATGGTGAAATTGCAT[A>G]CACCATTGCTGAAGGAAATACAGGGGATGCTTTTGGCATATTCCCAGATGGTCAATTGTA-3'
Protein context (NP_001278232.1, residues 1023-1043): KDSGANGEIA[Tyr1033Cys]TIAEGNTGDA